The following is an entry in ClinVar:

NM_000165.5(GJA1):c.1085G>A (p.Arg362Gln)

Gene: GJA1 (gap junction protein alpha 1; plus strand). Cytogenetic location: 6q22.31.
Variant type: single nucleotide variant.
Coding change: c.1085G>A on transcript NM_000165.5 (MANE Select); coding-DNA position 1085, G replaced by A.
Protein change: p.Arg362Gln; replaces arginine 362 with glutamine.
Molecular consequence: missense variant.
Genome position (GRCh38, 1-based): chr6:121,447,932, G>A. VCF-style: chr6-121447932-G-A. GRCh37 (hg19) VCF-style: chr6-121769078-G-A.
Other names: short protein forms R362Q.
Identifiers: ClinVar variation 16990 (VCV000016990.14), dbSNP rs2227885, ClinGen allele CA215135.

ClinVar aggregate classification (germline): Conflicting classifications of pathogenicity. Review status: criteria provided, conflicting classifications (1 of 4 stars). 4 submissions from 3 submitters: Uncertain significance (1); Likely benign (1). 2 of the submissions do not count toward it. Last evaluated 2026-01-21.

Conditions:
Hypoplastic left heart syndrome 1 (HLHS1). Identifiers: Orphanet 2248, MedGen C4551854, MONDO:0009433, OMIM 241550.
Atrioventricular septal defect and common atrioventricular junction. Also called: Atrioventricular septal defect 3. Identifiers: MedGen C0344783.
Oculodentodigital dysplasia, autosomal recessive. Also called: OCULODENTOOSSEOUS DYSPLASIA, AUTOSOMAL RECESSIVE; ODDD, AUTOSOMAL RECESSIVE; ODOD, AUTOSOMAL RECESSIVE. Identifiers: Orphanet 2710, MedGen C2749477, MONDO:0009768, OMIM 257850.

Allele frequency attached by ClinVar (database versions not stated): ExAC 0.00025; 1000 Genomes Project 30x 0.00031; gnomAD exomes 0.00042 and 0.00012; gnomAD 0.00013 and 0.00014; TOPMed 0.00019; 1000 Genomes Project 0.00020.
gnomAD v4.1: 190 of 1,613,754 alleles (0.012%); highest among the groups gnomAD compares: Admixed American, 0.19%; no homozygotes.

Submissions (4):

Labcorp Genetics (formerly Invitae), Labcorp
Classification: Likely benign for Oculodentodigital dysplasia, autosomal recessive. Last evaluated: 2026-01-21. Review status: criteria provided, single submitter. Criteria: Invitae Variant Classification Sherloc (09022015). Collection method: clinical testing. Allele origin: germline.

GeneDx
Classification: Uncertain significance. Last evaluated: 2025-11-30. Review status: criteria provided, single submitter. Criteria: GeneDx Variant Classification Process June 2021. Collection method: clinical testing. Allele origin: germline. Affected: yes.
Comment: Published previously in the presence of a second GJA1 variant, in association with hypoplastic left heart syndrome in several unrelated individuals (PMID: 11470490); In vitro functional study showed that the p.(R362Q) variant abolishes phosphorylation of the connexin 43 channel regulation domain (PMID: 11470490); In silico analysis suggests that this missense variant does not alter protein structure/function; This variant is associated with the following publications: (PMID: 22995991, 31564432, 22090377, 31019026, 33432820, 11470490)

OMIM
Classification: Pathogenic for HYPOPLASTIC LEFT HEART SYNDROME 1. Last evaluated: 2001-08-08. Review status: no assertion criteria provided. Collection method: literature only. Allele origin: germline. Not counted in ClinVar's aggregate classification.

OMIM
Classification: Pathogenic for ATRIOVENTRICULAR SEPTAL DEFECT 3. Last evaluated: 2001-08-08. Review status: no assertion criteria provided. Collection method: literature only. Allele origin: germline. Not counted in ClinVar's aggregate classification.

Literature cited by the submitters: PubMed 11470490 (cited by OMIM).